The following is an entry in ClinVar:

ClinVar aggregate classification (germline): Uncertain significance. Review status: criteria provided, multiple submitters, no conflicts (2 of 4 stars). 3 submissions from 3 submitters: Uncertain significance (2). 1 of the submissions does not count toward it. Last evaluated 2025-08-13.

Conditions:
Inborn genetic diseases. Identifiers: MedGen C0950123, MeSH D030342.
Abetalipoproteinaemia (ABL). Also called: MTP DEFICIENCY; Abetalipoproteinemia; Abetalipoproteinemia neuropathy; Apolipoprotein B deficiency; Congenital betalipoprotein deficiency syndrome. Identifiers: Orphanet 14, MedGen C0000744, MONDO:0008692, OMIM 200100, HP:0008181.

Allele frequency attached by ClinVar (database versions not stated): gnomAD 0.00001; gnomAD exomes 0.00001; TOPMed 0.00001; ExAC 0.00002.
gnomAD v4.1: 17 of 1,613,418 alleles (0.0011%); highest among the groups gnomAD compares: East Asian, 0.0067%; no homozygotes.

Submissions (3):

Ambry Genetics
Classification: Uncertain significance for Inborn genetic diseases. Last evaluated: 2025-08-13. Review status: criteria provided, single submitter. Criteria: Ambry Variant Classification Scheme 2023. Collection method: clinical testing. Allele origin: germline.

Labcorp Genetics (formerly Invitae), Labcorp
Classification: Uncertain significance. Last evaluated: 2024-10-26. Review status: criteria provided, single submitter. Criteria: Invitae Variant Classification Sherloc (09022015). Collection method: clinical testing. Allele origin: germline.
Comment: This sequence change replaces arginine, which is basic and polar, with histidine, which is basic and polar, at codon 772 of the MTTP protein (p.Arg772His). This variant is present in population databases (rs752590883, gnomAD 0.01%). This variant has not been reported in the literature in individuals affected with MTTP-related conditions. ClinVar contains an entry for this variant (Variation ID: 1003469). Invitae Evidence Modeling of protein sequence and biophysical properties (such as structural, functional, and spatial information, amino acid conservation, physicochemical variation, residue mobility, and thermodynamic stability) indicates that this missense variant is expected to disrupt MTTP protein function with a positive predictive value of 80%. In summary, the available evidence is currently insufficient to determine the role of this variant in disease. Therefore, it has been classified as a Variant of Uncertain Significance.

Natera, Inc.
Classification: Uncertain significance for Abetalipoproteinemia. Last evaluated: 2020-12-22. Review status: no assertion criteria provided. Collection method: clinical testing. Allele origin: germline. Not counted in ClinVar's aggregate classification.

NM_001386140.1(MTTP):c.2315G>A (p.Arg772His)

Gene: MTTP (microsomal triglyceride transfer protein; plus strand). Cytogenetic location: 4q23.
Variant type: single nucleotide variant.
Coding change: c.2315G>A on transcript NM_001386140.1 (MANE Select); coding-DNA position 2315, G replaced by A.
Protein change: p.Arg772His; replaces arginine 772 with histidine.
Molecular consequence: missense variant.
Genome position (GRCh38, 1-based): chr4:99,619,071, G>A. VCF-style: chr4-99619071-G-A. GRCh37 (hg19) VCF-style: chr4-100540228-G-A.
Other names: c.2315G>A (NM_000253.2); c.2315G>A, p.Arg772His (NM_000253.4); c.2066G>A, p.Arg689His (NM_001300785.2); short protein forms R689H, R772H.
Identifiers: ClinVar variation 1003469 (VCV001003469.5), dbSNP rs752590883, ClinGen allele CA3022332.
Genomic context (GRCh38, chr4:99,619,071, plus strand): 5'-AGGTCCAGGGTGGTCTAGCTATTGATATTTCAGGTGCAATGGAGTTTAGCTTGTGGTATC[G>A]TGAGTCTAAAACCCGAGTGAAAAATAGGTAAGTGTTTATGCATTATACATTTATGAATTA-3'
Protein context (NP_001373069.1, residues 762-782): SGAMEFSLWY[Arg772His]ESKTRVKNRV